The following is an entry in ClinVar:

NM_004187.5(KDM5C):c.3554C>T (p.Thr1185Ile)

Gene: KDM5C (lysine demethylase 5C; minus strand). Cytogenetic location: Xp11.22.
Variant type: single nucleotide variant.
Coding change: c.3554C>T on transcript NM_004187.5 (MANE Select); coding-DNA position 3554, C replaced by T.
Protein change: p.Thr1185Ile; replaces threonine 1185 with isoleucine.
Molecular consequence: missense variant. On other transcripts: non-coding transcript variant (3).
Genome position (GRCh38, 1-based): chrX:53,194,623, G>A on the plus strand (C>T on the coding strand, the complement: KDM5C is on the minus strand). VCF-style: chrX-53194623-G-A. GRCh37 (hg19) VCF-style: chrX-53223805-G-A.
Other names: c.3353C>T, p.Thr1118Ile (NM_001146702.2); c.3551C>T, p.Thr1184Ile (NM_001282622.3, NM_001353979.2, NM_001353982.2); c.3554C>T, p.Thr1185Ile (NM_001353978.3, NM_001353981.2, NM_001353984.2); short protein forms T1185I, T1118I, T1184I.
Identifiers: ClinVar variation 2909903 (VCV002909903.3), dbSNP rs1934682366, ClinGen allele CA413108457.

ClinVar aggregate classification (germline): Uncertain significance (1 of 4 stars; one submission).

Conditions:
Spastic paraplegia. Identifiers: MedGen C0037772, HP:0001258.

Allele frequency attached by ClinVar (database versions not stated): gnomAD exomes below 0.00001; TOPMed below 0.00001.
gnomAD v4.1: 1 of 1,212,167 alleles (0.000082%); highest among the groups gnomAD compares: Non-Finnish European, 0.00011%; no homozygotes.

Submission:

Labcorp Genetics (formerly Invitae), Labcorp
Classification: Uncertain significance for Spastic paraplegia. Last evaluated: 2023-01-15. Review status: criteria provided, single submitter. Criteria: Invitae Variant Classification Sherloc (09022015). Collection method: clinical testing. Allele origin: germline.
Comment: This sequence change replaces threonine, which is neutral and polar, with isoleucine, which is neutral and non-polar, at codon 1185 of the KDM5C protein (p.Thr1185Ile). This variant is not present in population databases (gnomAD no frequency). This variant has not been reported in the literature in individuals affected with KDM5C-related conditions. Advanced modeling of protein sequence and biophysical properties (such as structural, functional, and spatial information, amino acid conservation, physicochemical variation, residue mobility, and thermodynamic stability) performed at Invitae indicates that this missense variant is not expected to disrupt KDM5C protein function. In summary, the available evidence is currently insufficient to determine the role of this variant in disease. Therefore, it has been classified as a Variant of Uncertain Significance.